The following is an entry in ClinVar:

NM_002742.3(PRKD1):c.1131C>T (p.Asn377=)

Gene: PRKD1 (protein kinase D1; minus strand). Cytogenetic location: 14q12.
Variant type: single nucleotide variant.
Coding change: c.1131C>T on transcript NM_002742.3 (MANE Select); coding-DNA position 1131, C replaced by T.
Protein change: p.Asn377=; no amino-acid change (asparagine 377 retained).
Molecular consequence: synonymous variant.
Genome position (GRCh38, 1-based): chr14:29,636,349, G>A on the plus strand (C>T on the coding strand, the complement: PRKD1 is on the minus strand). VCF-style: chr14-29636349-G-A. GRCh37 (hg19) VCF-style: chr14-30105555-G-A.
Other names: c.1155C>T, p.Asn385= (NM_001330069.2); c.867C>T, p.Asn289= (NM_001348390.1).
Identifiers: ClinVar variation 4872754 (VCV004872754.2).

ClinVar aggregate classification (germline): Likely benign (1 of 4 stars; one submission).

gnomAD v4.1: 8 of 1,614,182 alleles (0.0005%); highest among the groups gnomAD compares: Admixed American, 0.005%; no homozygotes.

Submission:

CeGaT Center for Human Genetics Tuebingen
Classification: Likely benign. Last evaluated: 2026-04-01. Review status: criteria provided, single submitter. Criteria: CeGaT Center For Human Genetics Tuebingen Variant Classification Criteria Version 2. Collection method: clinical testing. Allele origin: germline. Affected: yes. Observed: 1 variant allele.
Comment: PRKD1: BP4, BP7